The following is an entry in ClinVar:

ClinVar aggregate classification (germline): Pathogenic. Review status: criteria provided, multiple submitters, no conflicts (2 of 4 stars). 3 submissions from 3 submitters: Pathogenic (3). Last evaluated 2025-11-14.

Conditions:
Hereditary cancer-predisposing syndrome. Also called: Tumor predisposition; Neoplastic Syndromes, Hereditary; Hereditary Cancer Syndrome; Hereditary neoplastic syndrome. Identifiers: Orphanet 140162, MedGen C0027672, MeSH D009386, MONDO:0015356.
Birt-Hogg-Dube syndrome. Also called: Birt Hogg Dubé syndrome. Identifiers: Orphanet 122, MedGen C0346010, MONDO:0800444.

Submissions (3):

Ambry Genetics
Classification: Pathogenic for Hereditary cancer-predisposing syndrome. Last evaluated: 2025-11-14. Review status: criteria provided, single submitter. Criteria: Ambry Variant Classification Scheme 2023. Collection method: clinical testing. Allele origin: germline.
Comment: The c.503_513del11 pathogenic mutation, located in coding exon 3 of the FLCN gene, results from a deletion of 11 nucleotides at nucleotide positions 503 to 513, causing a translational frameshift with a predicted alternate stop codon (p.R168Hfs*28). This variant was reported in individual(s) with features consistent with Birt-Hogg-Dube syndrome (Ambry internal data). This variant is considered to be rare based on population cohorts in the Genome Aggregation Database (gnomAD). This alteration is expected to result in loss of function by premature protein truncation or nonsense-mediated mRNA decay. As such, this alteration is interpreted as a disease-causing mutation.

Quest Diagnostics Nichols Institute San Juan Capistrano
Classification: Pathogenic. Last evaluated: 2025-08-29. Review status: criteria provided, single submitter. Criteria: Quest Diagnostics criteria. Collection method: clinical testing. Allele origin: unknown.
Comment: The FLCN c.503_513del (p.Arg168Hisfs*28) variant alters the translational reading frame of the FLCN mRNA and causes the premature termination of FLCN protein synthesis. This variant has not been reported in individuals with FLCN-related conditions in the published literature. This variant has not been reported in large, multi-ethnic general populations (Genome Aggregation Database). Based on the available information, this variant is classified as pathogenic.

Myriad Genetics, Inc.
Classification: Pathogenic for Birt-Hogg-Dube syndrome 1. Last evaluated: 2023-08-22. Review status: criteria provided, single submitter. Criteria: Myriad Autosomal Dominant, Autosomal Recessive and X-Linked Classification Criteria (2023). Collection method: clinical testing. Allele origin: unknown.
Comment: This variant is considered pathogenic. This variant creates a frameshift predicted to result in premature protein truncation.

NM_144997.7(FLCN):c.503_513del (p.Arg168fs)

Gene: FLCN (folliculin; minus strand). Cytogenetic location: 17p11.2.
Variant type: Deletion.
Coding change: c.503_513del on transcript NM_144997.7 (MANE Select); coding-DNA positions 503 to 513, 11 bases deleted (GCTGGTACAGC).
Protein change: p.Arg168fs; shifts the reading frame from arginine 168.
Molecular consequence: frameshift variant.
Genome position (GRCh38, 1-based): chr17:17,224,027-17,224,037, GCTGTACCAGC deleted on the plus strand (GCTGGTACAGC on the coding strand, the reverse complement: FLCN is on the minus strand); deleting any 11 consecutive bases within chr17:17,224,027-17,224,041 gives the same sequence; the c. name uses the placement nearest the transcript's 3' end. VCF-style (leftmost placement, unchanged base first): chr17-17224026-TGCTGTACCAGC-T. GRCh37 (hg19) VCF-style: chr17-17127340-TGCTGTACCAGC-T.
Other names: c.557_567del, p.Arg186fs (NM_001353229.2); c.503_513del, p.Arg168fs (NM_001353230.2, NM_001353231.2, NM_144606.7); c.503_513del (NM_144997.6); c.503_513del11 (NM_144997.5); short protein forms R168fs, R186fs.
Identifiers: ClinVar variation 2673457 (VCV002673457.3), dbSNP rs2544254526, ClinGen allele CA2636354610.